The following is an entry in ClinVar:

ClinVar aggregate classification (germline): Uncertain significance. Review status: criteria provided, single submitter (1 of 4 stars). 2 submissions from 2 submitters: Uncertain significance (1). 1 of the submissions does not count toward it. Last evaluated 2025-07-07.

Conditions:
Deficiency of alpha-mannosidase (MANSA). Also called: LYSOSOMAL ALPHA-D-MANNOSIDASE DEFICIENCY; Mannosidosis, alpha-, types I and II; Alpha-Mannosidosis. Identifiers: Orphanet 61, MedGen C0024748, MONDO:0009561, OMIM 248500.

Allele frequency attached by ClinVar (database versions not stated): gnomAD exomes 0.00001.

Submissions (2):

Women's Health and Genetics/Laboratory Corporation of America, LabCorp
Classification: Uncertain significance. Last evaluated: 2025-07-07. Review status: criteria provided, single submitter. Criteria: LabCorp Variant Classification Summary - May 2015. Collection method: clinical testing. Allele origin: germline.
Comment: Variant summary: MAN2B1 c.2675T>C (p.Leu892Pro) results in a non-conservative amino acid change in the encoded protein sequence. Algorithms developed to predict the effect of missense changes on protein structure and function all suggest that this variant is likely to be disruptive. The variant was absent in 246150 control chromosomes (gnomAD). c.2675T>C has been observed in at least one individual affected with Deficiency of alpha-mannosidase (Riise_2012). The report does not provide unequivocal conclusions about association of the variant with Deficiency of alpha-mannosidase. At least one publication reports experimental evidence evaluating an impact on protein function. The most pronounced variant effect results in 10%-<30% of normal activity (Riise_2012). The following publications have been ascertained in the context of this evaluation (PMID: 21505070, 22161967). ClinVar contains an entry for this variant (Variation ID: 208276). Based on the evidence outlined above, the variant was classified as VUS-possibly pathogenic.

ClinVar Staff, National Center for Biotechnology Information (NCBI)
Classification: Uncertain significance for Deficiency of alpha-mannosidase. Last evaluated: 2012-06-07. Review status: no assertion criteria provided. Collection method: literature only. Allele origin: germline. Affected: yes. Not counted in ClinVar's aggregate classification.

Literature cited by the submitters: PubMed 22161967 (cited by Women's Health and Genetics/Laboratory Corporation of America, LabCorp and ClinVar Staff, National Center for Biotechnology Information (NCBI)); PubMed 21505070 (cited by Women's Health and Genetics/Laboratory Corporation of America, LabCorp).

NM_000528.4(MAN2B1):c.2675T>C (p.Leu892Pro)

Gene: MAN2B1 (mannosidase alpha class 2B member 1; minus strand). Cytogenetic location: 19p13.13.
Variant type: single nucleotide variant.
Coding change: c.2675T>C on transcript NM_000528.4 (MANE Select); coding-DNA position 2675, T replaced by C.
Protein change: p.Leu892Pro; replaces leucine 892 with proline.
Molecular consequence: missense variant.
Genome position (GRCh38, 1-based): chr19:12,647,588, A>G on the plus strand (T>C on the coding strand, the complement: MAN2B1 is on the minus strand). VCF-style: chr19-12647588-A-G. GRCh37 (hg19) VCF-style: chr19-12758402-A-G.
Other names: c.2672T>C, p.Leu891Pro (NM_001173498.2); short protein forms L892P, L891P.
Identifiers: ClinVar variation 208276 (VCV000208276.3), dbSNP rs864621989, ClinGen allele CA350960.
Genomic context (GRCh38, chr19:12,647,588, plus strand): 5'-ATTTCGGGGCCCCAGCTGGCCAGCGTGAGCAGGTGCACCGAGGGCGGCAGGTCCCTGCGC[A>G]GCCCTGAGAACTGCGGGAGAGAGGGCGGGGCTGAGTTGGAGAGGGGCGGGGCCTGGATGG-3'
Protein context (NP_000519.2, residues 882-902): GAPPRTQFSG[Leu892Pro]RRDLPPSVHL